The following is an entry in ClinVar:

NM_006506.5(RASA2):c.12_32dup (p.Ala5_Ala11dup)

Genes: RASA2 (RAS p21 protein activator 2; plus strand), LOC129937686 (ATAC-STARR-seq lymphoblastoid silent region 14777; plus strand). Cytogenetic location: 3q23.
Variant type: Duplication.
Coding change: c.12_32dup on transcript NM_006506.5 (MANE Select); coding-DNA positions 12 to 32, 21 bases duplicated (GGCGCCTGCTGCTGCGGCGGC).
Protein change: p.Ala5_Ala11dup.
Molecular consequence: inframe insertion.
Genome position (GRCh38, 1-based): chr3:141,487,095-141,487,115, GGCGCCTGCTGCTGCGGCGGC duplicated; duplicating any 21 consecutive bases within chr3:141,487,087-141,487,115 gives the same sequence; the c. name uses the placement nearest the transcript's 3' end. VCF-style (leftmost placement, unchanged base first): chr3-141487086-G-GGCGGCGGCGGCGCCTGCTGCT. GRCh37 (hg19) VCF-style: chr3-141205928-G-GGCGGCGGCGGCGCCTGCTGCT.
Other names: c.12_32dup, p.Ala5_Ala11dup (NM_001303245.3, NM_001303246.3).
Identifiers: ClinVar variation 1317345 (VCV001317345.33), dbSNP rs1194909078, ClinGen allele CA546893179.

ClinVar aggregate classification (germline): Conflicting classifications of pathogenicity. Review status: criteria provided, conflicting classifications (1 of 4 stars). 5 submissions from 5 submitters: Uncertain significance (1); Benign (1); Likely benign (3). Last evaluated 2026-01-27.

Submissions (5):

Labcorp Genetics (formerly Invitae), Labcorp
Classification: Uncertain significance. Last evaluated: 2026-01-27. Review status: criteria provided, single submitter. Criteria: Invitae Variant Classification Sherloc (09022015). Collection method: clinical testing. Allele origin: germline.
Comment: This variant, c.12_32dup, results in the insertion of 7 amino acid(s) of the RASA2 protein (p.Ala5_Ala11dup), but otherwise preserves the integrity of the reading frame. The frequency data for this variant in the population databases is considered unreliable, as metrics indicate poor data quality at this position in the gnomAD database. This variant has not been reported in the literature in individuals affected with RASA2-related conditions. ClinVar contains an entry for this variant (Variation ID: 1317345). Experimental studies and prediction algorithms are not available or were not evaluated, and the functional significance of this variant is currently unknown. In summary, the available evidence is currently insufficient to determine the role of this variant in disease. Therefore, it has been classified as a Variant of Uncertain Significance.

Blueprint Genetics
Classification: Likely benign. Last evaluated: 2024-11-25. Review status: criteria provided, single submitter. Criteria: ACMG Guidelines, 2015. Collection method: clinical testing. Allele origin: germline.

CeGaT Center for Human Genetics Tuebingen
Classification: Likely benign. Last evaluated: 2023-09-01. Review status: criteria provided, single submitter. Criteria: CeGaT Center For Human Genetics Tuebingen Variant Classification Criteria Version 2. Collection method: clinical testing. Allele origin: germline. Affected: yes. Observed: 2 variant alleles.
Comment: RASA2: BS1

Women's Health and Genetics/Laboratory Corporation of America, LabCorp
Classification: Benign. Last evaluated: 2021-12-06. Review status: criteria provided, single submitter. Criteria: LabCorp Variant Classification Summary - May 2015. Collection method: clinical testing. Allele origin: germline.
Comment: Variant summary: RASA2 c.12_32dup21 (p.Ala5_Ala11dup) results in an in-frame duplication that is predicted to duplicate 7 amino acids into the encoded protein. The variant allele was found at a frequency of 0.00054 in 85008 control chromosomes, predominantly at a frequency of 0.0044 within the African or African-American subpopulation in the gnomAD database. The observed variant frequency within African or African-American control individuals in the gnomAD database is approximately 880 fold of the estimated maximal expected allele frequency for a pathogenic variant in RASA2 causing Noonan Syndrome phenotype (5e-06), strongly suggesting that the variant is a benign polymorphism found primarily in populations of African or African-American origin. To our knowledge, no occurrence of c.12_32dup21 in individuals affected with Noonan Syndrome and no experimental evidence demonstrating its impact on protein function have been reported. One clinical diagnostic laboratory has submitted clinical-significance assessments for this variant to ClinVar after 2014 and classified the variant as likely benign. Based on the evidence outlined above, the variant was classified as benign.

GeneDx
Classification: Likely benign. Last evaluated: 2021-09-02. Review status: criteria provided, single submitter. Criteria: GeneDx Variant Classification Process June 2021. Collection method: clinical testing. Allele origin: germline. Affected: yes.